The following is an entry in ClinVar:

NM_000435.3(NOTCH3):c.125dup (p.Cys43fs)

Gene: NOTCH3 (notch receptor 3; minus strand). Cytogenetic location: 19p13.12.
Variant type: Duplication.
Coding change: c.125dup on transcript NM_000435.3 (MANE Select); coding-DNA position 125, one base duplicated (C; older notation c.125dupC).
Protein change: p.Cys43fs; shifts the reading frame from cysteine 43.
Molecular consequence: frameshift variant.
Genome position (GRCh38, 1-based): chr19:15,197,572, G duplicated on the plus strand (C on the coding strand, the reverse complement: NOTCH3 is on the minus strand); the first of 7 consecutive G bases (chr19:15,197,572-15,197,578); duplicating any one gives the same sequence. VCF-style (leftmost placement, unchanged base first): chr19-15197571-A-AG. GRCh37 (hg19) VCF-style: chr19-15308382-A-AG.
Other names: short protein forms C43fs.
Identifiers: ClinVar variation 3766784 (VCV003766784.1).

ClinVar aggregate classification (germline): Uncertain significance (1 of 4 stars; one submission).

Submission:

ARUP Laboratories, Molecular Genetics and Genomics, ARUP Laboratories
Classification: Uncertain significance. Last evaluated: 2024-08-15. Review status: criteria provided, single submitter. Criteria: ARUP Molecular Germline Variant Investigation Process 2024. Collection method: clinical testing. Allele origin: germline.
Comment: The NOTCH3 c.125dup; p.Cys43LeufsTer32 variant (rs749829137), to our knowledge, is not reported in the medical literature or gene specific databases. This variant is also absent from the Genome Aggregation Database (v2.1.1), indicating it is not a common polymorphism. This variant causes a frameshift by inserting a single nucleotide, so it is predicted to result in a truncated protein or mRNA subject to nonsense-mediated decay. Most pathogenic NOTCH3 variants occur in exons 2-24 and either create or destroy a cysteine residue within an EGF-like domain, truncating variants are not associated with CADASIL (Rutten 2014). Although p.Cys43LeufsTer32 does not follow the known mechanism of disease, due to its low population frequency its clinical significance is uncertain. References: Rutten JW et al. Interpretation of NOTCH3 mutations in the diagnosis of CADASIL. Expert Rev Mol Diagn. 2014 Jun;14(5):593-603. PMID: 24844136.